The following is an entry in ClinVar:

ClinVar aggregate classification (germline): Uncertain significance (1 of 4 stars; one submission).

Conditions:
Drash syndrome (DDS). Also called: NEPHROPATHY, WILMS TUMOR, AND GENITAL ANOMALIES; WILMS TUMOR AND PSEUDO- OR TRUE HERMAPHRODITISM. Identifiers: Orphanet 220, MedGen C0950121, MONDO:0008682, OMIM 194080.
Frasier syndrome. Identifiers: Orphanet 347, MedGen C0950122, MeSH D052159, MONDO:0007635, OMIM 136680.
Wilms tumor 1 (WT1). Also called: Wilms tumor, somatic. Identifiers: Orphanet 654, MedGen CN033288, MONDO:0008679, OMIM 194070.
11p partial monosomy syndrome (WAGR). Also called: CHROMOSOME 11p13 DELETION SYNDROME; WAGR Spectrum Disorder; WAGR Complex; WAGR syndrome. Identifiers: Orphanet 893, MedGen C0206115, MONDO:0008681, OMIM 194072.

Submission:

Labcorp Genetics (formerly Invitae), Labcorp
Classification: Uncertain significance for Wilms tumor 1; Drash syndrome; 11p partial monosomy syndrome; Frasier syndrome. Last evaluated: 2020-03-12. Review status: criteria provided, single submitter. Criteria: Invitae Variant Classification Sherloc (09022015). Collection method: clinical testing. Allele origin: germline.
Comment: This sequence change replaces leucine with arginine at codon 76 of the WT1 protein (p.Leu76Arg). The leucine residue is highly conserved and there is a moderate physicochemical difference between leucine and arginine. In summary, the available evidence is currently insufficient to determine the role of this variant in disease. Therefore, it has been classified as a Variant of Uncertain Significance. Algorithms developed to predict the effect of missense changes on protein structure and function are either unavailable or do not agree on the potential impact of this missense change (SIFT: "Deleterious"; PolyPhen-2: "Possibly Damaging"; Align-GVGD: "Class C0"). This variant has not been reported in the literature in individuals with WT1-related conditions. The frequency data for this variant in the population databases is considered unreliable, as metrics indicate insufficient coverage at this position in the ExAC database.

NM_024426.6(WT1):c.242T>G (p.Leu81Arg)

Genes: WT1 (WT1 transcription factor; minus strand), LOC107982234 (WT1/WT1-AS bi-directional promoter region; plus strand). Cytogenetic location: 11p13.
Variant type: single nucleotide variant.
Coding change: c.242T>G on transcript NM_024426.6 (MANE Select); coding-DNA position 242, T replaced by G.
Protein change: p.Leu81Arg; replaces leucine 81 with arginine.
Molecular consequence: missense variant. On other transcripts: non-coding transcript variant (1).
Genome position (GRCh38, 1-based): chr11:32,435,119, A>C on the plus strand (T>G on the coding strand, the complement: WT1 is on the minus strand). VCF-style: chr11-32435119-A-C. GRCh37 (hg19) VCF-style: chr11-32456665-A-C.
Other names: c.242T>G, p.Leu81Arg (NM_000378.6, NM_024424.5); short protein forms L81R.
Identifiers: ClinVar variation 1058372 (VCV001058372.9), dbSNP rs2133105795, ClinGen allele CA379966086.